The following is an entry in ClinVar:

ClinVar aggregate classification (germline): Uncertain significance (1 of 4 stars; one submission).

Conditions:
T-cell immunodeficiency, congenital alopecia, and nail dystrophy. Also called: Congenital alopecia and nail dystrophy associated with severe functional T-cell immunodeficiency; Pignata Guarino syndrome. Identifiers: Orphanet 169095, MedGen C1866426, MONDO:0011132, OMIM 601705.

Allele frequency attached by ClinVar (database versions not stated): ExAC 0.00001.
gnomAD v4.1: 13 of 1,612,608 alleles (0.00081%); highest among the groups gnomAD compares: Non-Finnish European, 0.0011%; no homozygotes.

Submission:

Labcorp Genetics (formerly Invitae), Labcorp
Classification: Uncertain significance for T-cell immunodeficiency, congenital alopecia, and nail dystrophy. Last evaluated: 2023-10-22. Review status: criteria provided, single submitter. Criteria: Invitae Variant Classification Sherloc (09022015). Collection method: clinical testing. Allele origin: germline.
Comment: This sequence change replaces proline, which is neutral and non-polar, with arginine, which is basic and polar, at codon 112 of the FOXN1 protein (p.Pro112Arg). This variant is present in population databases (rs761166991, gnomAD 0.003%). This variant has not been reported in the literature in individuals affected with FOXN1-related conditions. Advanced modeling of protein sequence and biophysical properties (such as structural, functional, and spatial information, amino acid conservation, physicochemical variation, residue mobility, and thermodynamic stability) performed at Invitae indicates that this missense variant is not expected to disrupt FOXN1 protein function. In summary, the available evidence is currently insufficient to determine the role of this variant in disease. Therefore, it has been classified as a Variant of Uncertain Significance.

NM_001369369.1(FOXN1):c.335C>G (p.Pro112Arg)

Gene: FOXN1 (forkhead box N1; plus strand). Cytogenetic location: 17q11.2.
Variant type: single nucleotide variant.
Coding change: c.335C>G on transcript NM_001369369.1 (MANE Select); coding-DNA position 335, C replaced by G.
Protein change: p.Pro112Arg; replaces proline 112 with arginine.
Molecular consequence: missense variant.
Genome position (GRCh38, 1-based): chr17:28,524,714, C>G. VCF-style: chr17-28524714-C-G. GRCh37 (hg19) VCF-style: chr17-26851732-C-G.
Other names: c.335C>G, p.Pro112Arg (NM_003593.3); short protein forms P112R.
Identifiers: ClinVar variation 3016117 (VCV003016117.3), dbSNP rs761166991, ClinGen allele CA8459203.